The following is an entry in ClinVar:

ClinVar aggregate classification (germline): Benign. Review status: criteria provided, multiple submitters, no conflicts (2 of 4 stars). 2 submissions from 2 submitters: Benign (2). Last evaluated 2021-06-19.

Allele frequency attached by ClinVar (database versions not stated): 1000 Genomes Project 30x 0.29997; 1000 Genomes Project 0.30032; TOPMed 0.35374; gnomAD 0.36178 and 0.36240; gnomAD exomes 0.43085.
gnomAD v4.1: 390,309 of 933,470 alleles (42%); highest among the groups gnomAD compares: Admixed American, 47%; 87,017 homozygotes.

Submissions (2):

GeneDx
Classification: Benign. Last evaluated: 2021-06-19. Review status: criteria provided, single submitter. Criteria: GeneDx Variant Classification Process June 2021. Collection method: clinical testing. Allele origin: germline. Affected: yes.
Comment: This variant is associated with the following publications: (PMID: 21994215)

Breakthrough Genomics
Classification: Benign. Review status: criteria provided, single submitter. Criteria: ACMG Guidelines, 2015. Collection method: not provided. Allele origin: germline. Inheritance: Autosomal recessive inheritance. Affected: yes.

NM_002546.4(TNFRSF11B):c.401-109T>C

Gene: TNFRSF11B (TNF receptor superfamily member 11b; minus strand). Cytogenetic location: 8q24.12.
Variant type: single nucleotide variant.
Coding change: c.401-109T>C on transcript NM_002546.4 (MANE Select); 109 bases into the intron before coding-DNA position 401, T replaced by C.
Molecular consequence: intron variant.
Genome position (GRCh38, 1-based): chr8:118,929,038, A>G on the plus strand (T>C on the coding strand, the complement: TNFRSF11B is on the minus strand). VCF-style: chr8-118929038-A-G. GRCh37 (hg19) VCF-style: chr8-119941277-A-G.
Identifiers: ClinVar variation 1297312 (VCV001297312.3), dbSNP rs4876869, ClinGen allele CA12846319.